The following is an entry in ClinVar:

ClinVar aggregate classification (germline): Pathogenic (1 of 4 stars; one submission).

Submission:

ISCA site 15
Classification: Pathogenic. Last evaluated: 2011-08-12. Review status: criteria provided, single submitter. Criteria: Kaminsky et al. (Genet Med. 2011). Collection method: clinical testing. Allele origin: maternal. Affected: yes. Observed: 1 variant allele.
Comment: Copy number variation identified through the course of routine clinical cytogenomic testing in postnatal populations. Clinical assertions have been curated as described in Kaminsky et al. 2011.

GRCh38/hg38 Xp11.22(chrX:53403791-54030240)x2

Genes: HSD17B10 (hydroxysteroid 17-beta dehydrogenase 10; minus strand), HUWE1 (HECT, UBA and WWE domain containing E3 ubiquitin protein ligase 1; minus strand), MIR6857 (microRNA 6857; minus strand), MIR98 (microRNA 98; minus strand), MIRLET7F2 (microRNA let-7f-2; minus strand) and 15 more. Cytogenetic location: Xp11.22.
Variant type: copy number gain.
Change: copy number 2 of chrX:53,403,791-54,030,240 (626.5 kb, GRCh38 coordinates, 1-based), cytogenetic band Xp11.22.
Identifiers: ClinVar variation 58637 (VCV000058637.1).